The following is an entry in ClinVar:

ClinVar aggregate classification (germline): Conflicting classifications of pathogenicity. Review status: criteria provided, conflicting classifications (1 of 4 stars). 2 submissions from 2 submitters: Uncertain significance (1); Likely benign (1). Last evaluated 2025-08-07.

Conditions:
Cardiovascular phenotype. Identifiers: MedGen CN230736.
Alstrom syndrome (ALMS). Identifiers: Orphanet 64, MedGen C0268425, MONDO:0008763, OMIM 203800.

Allele frequency attached by ClinVar (database versions not stated): gnomAD 0.00001; gnomAD exomes 0.00001; TOPMed 0.00001; ExAC 0.00003.
gnomAD v4.1: 17 of 1,612,686 alleles (0.0011%); highest among the groups gnomAD compares: South Asian, 0.019%; no homozygotes.

Submissions (2):

Ambry Genetics
Classification: Likely benign for Cardiovascular phenotype. Last evaluated: 2025-08-07. Review status: criteria provided, single submitter. Criteria: Ambry Variant Classification Scheme 2023. Collection method: clinical testing. Allele origin: germline.

Labcorp Genetics (formerly Invitae), Labcorp
Classification: Uncertain significance for Alstrom syndrome. Last evaluated: 2024-12-16. Review status: criteria provided, single submitter. Criteria: Invitae Variant Classification Sherloc (09022015). Collection method: clinical testing. Allele origin: germline.
Comment: This sequence change replaces histidine, which is basic and polar, with arginine, which is basic and polar, at codon 1385 of the ALMS1 protein (p.His1385Arg). This variant is present in population databases (rs755653330, gnomAD 0.02%). This variant has not been reported in the literature in individuals affected with ALMS1-related conditions. ClinVar contains an entry for this variant (Variation ID: 2084242). Experimental studies and prediction algorithms are not available or were not evaluated, and the functional significance of this variant is currently unknown. In summary, the available evidence is currently insufficient to determine the role of this variant in disease. Therefore, it has been classified as a Variant of Uncertain Significance.

NM_001378454.1(ALMS1):c.4151A>G (p.His1384Arg)

Gene: ALMS1 (ALMS1 centrosome and basal body associated protein; plus strand). Cytogenetic location: 2p13.1.
Variant type: single nucleotide variant.
Coding change: c.4151A>G on transcript NM_001378454.1 (MANE Select); coding-DNA position 4151, A replaced by G.
Protein change: p.His1384Arg; replaces histidine 1384 with arginine.
Molecular consequence: missense variant.
Genome position (GRCh38, 1-based): chr2:73,450,678, A>G. VCF-style: chr2-73450678-A-G. GRCh37 (hg19) VCF-style: chr2-73677805-A-G.
Other names: c.4154A>G, p.His1385Arg (NM_015120.4); short protein forms H1385R, H1384R.
Identifiers: ClinVar variation 2084242 (VCV002084242.3), dbSNP rs755653330, ClinGen allele CA1713647.